The following is an entry in ClinVar:

ClinVar aggregate classification (germline): Uncertain significance (1 of 4 stars; one submission).

Conditions:
Inborn genetic diseases. Identifiers: MedGen C0950123, MeSH D030342.

Submission:

Ambry Genetics
Classification: Uncertain significance for Inborn genetic diseases. Last evaluated: 2025-01-06. Review status: criteria provided, single submitter. Criteria: Ambry Variant Classification Scheme 2023. Collection method: clinical testing. Allele origin: germline.
Comment: The p.A918T variant (also known as c.2752G>A), located in coding exon 28 of the RTEL1 gene, results from a G to A substitution at nucleotide position 2752. The alanine at codon 918 is replaced by threonine, an amino acid with similar properties. This amino acid position is conserved. In addition, this alteration is predicted to be tolerated by in silico analysis. Based on the available evidence, the clinical significance of this variant remains unclear.

NM_001283009.2(RTEL1):c.2752G>A (p.Ala918Thr)

Genes: RTEL1 (regulator of telomere elongation helicase 1; plus strand), RTEL1-TNFRSF6B (RTEL1-TNFRSF6B readthrough (NMD candidate); plus strand). Cytogenetic location: 20q13.33.
Variant type: single nucleotide variant.
Coding change: c.2752G>A on transcript NM_001283009.2 (MANE Select); coding-DNA position 2752, G replaced by A.
Protein change: p.Ala918Thr; replaces alanine 918 with threonine.
Molecular consequence: missense variant. On other transcripts: non-coding transcript variant (1).
Genome position (GRCh38, 1-based): chr20:63,692,904, G>A. VCF-style: chr20-63692904-G-A. GRCh37 (hg19) VCF-style: chr20-62324257-G-A.
Other names: c.2083G>A, p.Ala695Thr (NM_001283010.1); c.2752G>A, p.Ala918Thr (NM_016434.4); c.2824G>A, p.Ala942Thr (NM_032957.5); short protein forms A695T, A942T, A918T.
Identifiers: ClinVar variation 3791035 (VCV003791035.1).